The following is an entry in ClinVar:

NM_006019.4(TCIRG1):c.1213G>A (p.Gly405Arg)

Gene: TCIRG1 (T cell immune regulator 1, ATPase H+ transporting V0 subunit a3; plus strand). Cytogenetic location: 11q13.2.
Variant type: single nucleotide variant.
Coding change: c.1213G>A on transcript NM_006019.4 (MANE Select); coding-DNA position 1213, G replaced by A.
Protein change: p.Gly405Arg; replaces glycine 405 with arginine.
Molecular consequence: missense variant.
Genome position (GRCh38, 1-based): chr11:68,047,480, G>A. VCF-style: chr11-68047480-G-A. GRCh37 (hg19) VCF-style: chr11-67814947-G-A.
Other names: c.319G>A, p.Gly107Arg (NM_001351059.2); c.565G>A, p.Gly189Arg (NM_006053.4); short protein forms G405R, G107R, G189R.
Identifiers: ClinVar variation 5463 (VCV000005463.25), dbSNP rs137853150, ClinGen allele CA117545.
Genomic context (GRCh38, chr11:68,047,480, plus strand): 5'-CCTCTGCCCACAGCTCCCTACACCATCATCACCTTCCCCTTCCTGTTTGCTGTGATGTTC[G>A]GGGATGTGGGCCACGGGCTGCTCATGTTCCTGTTCGCCCTGGCCATGGTCCTTGCGGAGA-3'
Protein context (NP_006010.2, residues 395-415): TFPFLFAVMF[Gly405Arg]DVGHGLLMFL

ClinVar aggregate classification (germline): Pathogenic/Likely pathogenic. Review status: criteria provided, multiple submitters, no conflicts (2 of 4 stars). 10 submissions from 10 submitters: Pathogenic (6); Likely pathogenic (2). 2 of the submissions do not count toward it. Last evaluated 2025-10-23.

Conditions:
Autosomal recessive osteopetrosis 1. Also called: TCIRG1-Related Autosomal Recessive Osteopetrosis; ALBERS-SCHONBERG DISEASE, AUTOSOMAL RECESSIVE; TCIRG1-Related Osteopetrosis. Identifiers: Orphanet 667, MedGen C1850127, MONDO:0009815, OMIM 259700.
Osteopetrosis. Identifiers: Orphanet 2781, MedGen C0029454, MONDO:0017198, HP:0011002.

Allele frequency attached by ClinVar (database versions not stated): ExAC 0.00003; TOPMed 0.00005; gnomAD 0.00019; gnomAD exomes 0.00007.
gnomAD v4.1: 47 of 1,613,916 alleles (0.0029%); highest among the groups gnomAD compares: Admixed American, 0.072%; no homozygotes.

Submissions (10):

Labcorp Genetics (formerly Invitae), Labcorp
Classification: Pathogenic. Last evaluated: 2025-10-23. Review status: criteria provided, single submitter. Criteria: Invitae Variant Classification Sherloc (09022015). Collection method: clinical testing. Allele origin: germline.
Comment: This sequence change replaces glycine, which is neutral and non-polar, with arginine, which is basic and polar, at codon 405 of the TCIRG1 protein (p.Gly405Arg). This variant is present in population databases (rs137853150, gnomAD 0.04%). This missense change has been observed in individuals with osteopetrosis (PMID: 11532986, 12552563, 29363653). ClinVar contains an entry for this variant (Variation ID: 5463). Invitae Evidence Modeling of protein sequence and biophysical properties (such as structural, functional, and spatial information, amino acid conservation, physicochemical variation, residue mobility, and thermodynamic stability) indicates that this missense variant is expected to disrupt TCIRG1 protein function with a positive predictive value of 80%. Algorithms developed to predict the effect of sequence changes on RNA splicing suggest that this variant may create or strengthen a splice site. For these reasons, this variant has been classified as Pathogenic.

Natera, Inc.
Classification: Pathogenic for Infantile malignant osteopetrosis. Last evaluated: 2025-03-07. Review status: criteria provided, single submitter. Criteria: Natera Variant Classification Schema (03/2026). Collection method: clinical testing. Allele origin: germline.
Comment: The c.1213G>A variant in TCIRG1 is a missense variant predicted to cause substitution of glycine to arginine at amino acid 405. This variant is rare in the general population with a frequency below the threshold expected for the associated phenotype(s). This variant has been observed in one or more individuals affected with the associated recessive disease, as either homozygous or compound heterozygous with a second variant (PMID: 30539151). Given the available evidence, this variant is classified as Pathogenic.

Fulgent Genetics
Classification: Pathogenic for Autosomal recessive osteopetrosis 1. Last evaluated: 2024-05-07. Review status: criteria provided, single submitter. Criteria: ACMG Guidelines, 2015. Collection method: clinical testing. Allele origin: germline.

Baylor Genetics
Classification: Pathogenic for Autosomal recessive osteopetrosis 1. Last evaluated: 2024-03-14. Review status: criteria provided, single submitter. Criteria: ACMG Guidelines, 2015. Collection method: clinical testing. Allele origin: unknown.

Revvity Omics, Revvity
Classification: Likely pathogenic for Autosomal recessive osteopetrosis 1. Last evaluated: 2022-10-21. Review status: criteria provided, single submitter. Criteria: ACMG Guidelines, 2015. Collection method: clinical testing. Allele origin: germline.

Women's Health and Genetics/Laboratory Corporation of America, LabCorp
Classification: Pathogenic for Osteopetrosis. Last evaluated: 2022-10-04. Review status: criteria provided, single submitter. Criteria: LabCorp Variant Classification Summary - May 2015. Collection method: clinical testing. Allele origin: germline.
Comment: Variant summary: TCIRG1 c.1213G>A (p.Gly405Arg) results in a non-conservative amino acid change located in a highly conserved amino acid within a Transmembrane domain of the encoded protein sequence. Five of five in-silico tools predict a damaging effect of the variant on protein function. The variant allele was found at a frequency of 7.2e-05 in 250716 control chromosomes. This frequency is not significantly higher than expected for a pathogenic variant in TCIRG1 causing Osteopetrosis (7.2e-05 vs 0.0016), allowing no conclusion about variant significance. c.1213G>A has been reported in the literature in multiple individuals affected with Osteopetrosis (Sobacchi_2001, Cao_2018). These data indicate that the variant is very likely to be associated with disease. One publication reports experimental evidence evaluating an impact on protein function in yeast (Ochotny_2006), finding that the variant results in reduced proton pump and ATPase activity. The variant is detected in trans with other known pathogenic variants (e.g. c.1331G>T, p.R444L), suggesting a pathogenic role. Five clinical diagnostic laboratories have submitted clinical-significance assessments for this variant to ClinVar after 2014 without evidence for independent evaluation. All laboratories classified the variant as pathogenic/likely pathogenic. Based on the evidence outlined above, the variant was classified as pathogenic.

Molecular Lab, Department of Haematology, Christian Medical College
Classification: Pathogenic for Autosomal recessive osteopetrosis 1. Last evaluated: 2022-05-20. Review status: criteria provided, single submitter. Criteria: ACMG Guidelines, 2015. Collection method: clinical testing. Allele origin: germline. Affected: yes. Observed: 2 variant alleles.

Centre for Mendelian Genomics, University Medical Centre Ljubljana
Classification: Likely pathogenic for Autosomal recessive osteopetrosis 1. Last evaluated: 2018-11-06. Review status: criteria provided, single submitter. Criteria: ACMG Guidelines, 2015. Collection method: clinical testing. Allele origin: unknown. Affected: yes.
Comment: This variant was classified as: Likely pathogenic. The following ACMG criteria were applied in classifying this variant: PS1,PM2,PP3,PP5.

Counsyl
Classification: Pathogenic for Autosomal recessive osteopetrosis 1. Last evaluated: 2017-05-31. Review status: no assertion criteria provided. Collection method: clinical testing. Allele origin: unknown. Not counted in ClinVar's aggregate classification.

OMIM
Classification: Pathogenic for OSTEOPETROSIS, AUTOSOMAL RECESSIVE 1. Last evaluated: 2003-02-01. Review status: no assertion criteria provided. Collection method: literature only. Allele origin: germline. Not counted in ClinVar's aggregate classification.

Literature cited by the submitters: PubMed 11532986 (cited by 4 submitters); PubMed 12552563 (cited by 3 submitters); PubMed 29363653 (cited by Labcorp Genetics (formerly Invitae), Labcorp); PubMed 30539151 (cited by Natera, Inc. and Women's Health and Genetics/Laboratory Corporation of America, LabCorp); PubMed 16840787 (cited by Women's Health and Genetics/Laboratory Corporation of America, LabCorp); PubMed 15300850 (cited by Counsyl).